The following is an entry in ClinVar:

ClinVar aggregate classification (germline): Uncertain significance (1 of 4 stars; one submission).

Conditions:
Cardiovascular phenotype. Identifiers: MedGen CN230736.

Submission:

Ambry Genetics
Classification: Uncertain significance for Cardiovascular phenotype. Last evaluated: 2024-09-02. Review status: criteria provided, single submitter. Criteria: Ambry Variant Classification Scheme 2023. Collection method: clinical testing. Allele origin: germline.
Comment: The p.P2721S variant (also known as c.8161C>T), located in coding exon 23 of the TNXB gene, results from a C to T substitution at nucleotide position 8161. The proline at codon 2721 is replaced by serine, an amino acid with similar properties. This amino acid position is conserved. In addition, this alteration is predicted to be tolerated by in silico analysis. Based on the available evidence, the clinical significance of this variant remains unclear.

NM_001365276.2(TNXB):c.8161C>T (p.Pro2721Ser)

Gene: TNXB (tenascin XB; minus strand). Cytogenetic location: 6p21.33.
Variant type: single nucleotide variant.
Coding change: c.8161C>T on transcript NM_001365276.2 (MANE Select); coding-DNA position 8161, C replaced by T.
Protein change: p.Pro2721Ser; replaces proline 2721 with serine.
Molecular consequence: missense variant.
Genome position (GRCh38, 1-based): chr6:32,056,157, G>A on the plus strand (C>T on the coding strand, the complement: TNXB is on the minus strand). VCF-style: chr6-32056157-G-A. GRCh37 (hg19) VCF-style: chr6-32023934-G-A.
Other names: c.8902C>T, p.Pro2968Ser (NM_001428335.1); c.8161C>T, p.Pro2721Ser (NM_019105.8); short protein forms P2721S, P2968S.
Identifiers: ClinVar variation 3459785 (VCV003459785.1).